The following is an entry in ClinVar:

ClinVar aggregate classification (germline): Likely benign (1 of 4 stars; one submission).

Allele frequency attached by ClinVar (database versions not stated): gnomAD exomes below 0.00001; gnomAD 0.00001.
gnomAD v4.1: 2 of 1,613,854 alleles (0.00012%); highest among the groups gnomAD compares: Middle Eastern, 0.017%; no homozygotes.

Submission:

Laboratory for Molecular Medicine, Mass General Brigham Personalized Medicine
Classification: Likely benign. Last evaluated: 2012-02-07. Review status: criteria provided, single submitter. Criteria: LMM Criteria. Collection method: clinical testing. Allele origin: germline. Observed: 1 variant allele.
Comment: 9988+9G>A in intron 42 of TTN: This variant is not expected to have clinical sig nificance because it is not located within the splice consensus sequence. 9988+ 9G>A in intron 42 of TTN (allele frequency = n/a)

NM_001267550.2(TTN):c.9988+9G>A

Gene: TTN (titin; minus strand). Cytogenetic location: 2q31.2.
Variant type: single nucleotide variant.
Coding change: c.9988+9G>A on transcript NM_001267550.2 (MANE Select); 9 bases into the intron after coding-DNA position 9988, G replaced by A.
Molecular consequence: intron variant.
Genome position (GRCh38, 1-based): chr2:178,764,518, C>T on the plus strand (G>A on the coding strand, the complement: TTN is on the minus strand). VCF-style: chr2-178764518-C-T. GRCh37 (hg19) VCF-style: chr2-179629245-C-T.
Other names: c.9988+9G>A (NM_133378.4, NM_001256850.1, NM_133379.5); c.9850+9G>A (NM_003319.4, NM_133437.4, NM_133432.3).
Identifiers: ClinVar variation 47721 (VCV000047721.5), dbSNP rs397517801, ClinGen allele CA141779.